The following is an entry in ClinVar:

ClinVar aggregate classification (germline): Likely pathogenic. Review status: criteria provided, single submitter (1 of 4 stars). 3 submissions from 3 submitters: Likely pathogenic (1). 2 of the submissions do not count toward it.

Conditions:
Autosomal recessive ataxia, Beauce type. Also called: ATAXIA, RECESSIVE, OF BEAUCE; SYNE1 Deficiency; Spinocerebellar ataxia, autosomal recessive 8; SYNE1-Related Autosomal Recessive Cerebellar Ataxia. Identifiers: Orphanet 88644, MedGen C1853116, MONDO:0012549, OMIM 610743.

Allele frequency attached by ClinVar (database versions not stated): gnomAD exomes below 0.00001.
gnomAD v4.1: 2 of 1,613,816 alleles (0.00012%); highest among the groups gnomAD compares: Non-Finnish European, 0.000085%; no homozygotes.

Submissions (3):

Dr. med. U. Finckh, Human Genetics, Eurofins MVZ
Classification: Likely pathogenic for Autosomal recessive ataxia, Beauce type. Review status: criteria provided, single submitter. Criteria: ACMG Guidelines, 2015. Collection method: clinical testing. Allele origin: maternal. Affected: yes.
Comment: The variant is predicted to disrupt the directly adjacent splice donor site.

Genetic Services Laboratory, University of Chicago
Classification: Uncertain significance. Last evaluated: 2022-06-06. Review status: no assertion criteria provided. Collection method: clinical testing. Allele origin: germline. Affected: no. Not counted in ClinVar's aggregate classification.
Comment: DNA sequence analysis of the SYNE1 gene demonstrated a c.5288G>A sequence change that impacts the last nucleotide of exon 39 and results in an amino acid change, p.Arg1763Lys. This sequence change does not appear to have been previously described in individuals with SYNE1-related disorders. This sequence change has been described in the gnomAD database in one individual which corresponds to a population frequency of 0.0004% (dbSNP rs1320406415). The p.Arg1763Lys change affects a moderately conserved amino acid residue located in a domain of the SYNE1 protein that is known to be functional. Based on in-silico splice prediction programs, this sequence change likely affects normal splicing of the SYNE1 gene, which would result in an abnormal protein, however functional studies have not been performed to prove this conclusively. Due to insufficient evidences and the lack of functional studies, the clinical significance of the p.Arg1763Lys change remains unknown at this time.

Next Generation Genetic Polyclinic
Classification: Uncertain significance for Autosomal recessive ataxia, Beauce type. Review status: no assertion criteria provided. Collection method: clinical testing. Allele origin: inherited. Affected: yes. Not counted in ClinVar's aggregate classification.

NM_182961.4(SYNE1):c.5267G>A (p.Arg1756Lys)

Gene: SYNE1 (spectrin repeat containing nuclear envelope protein 1; minus strand). Cytogenetic location: 6q25.2.
Variant type: single nucleotide variant.
Coding change: c.5267G>A on transcript NM_182961.4 (MANE Select); coding-DNA position 5267, G replaced by A.
Protein change: p.Arg1756Lys; replaces arginine 1756 with lysine.
Molecular consequence: missense variant.
Genome position (GRCh38, 1-based): chr6:152,425,381, C>T on the plus strand (G>A on the coding strand, the complement: SYNE1 is on the minus strand). VCF-style: chr6-152425381-C-T. GRCh37 (hg19) VCF-style: chr6-152746516-C-T.
Other names: c.5288G>A, p.Arg1763Lys (NM_033071.5); short protein forms R1756K, R1763K.
Identifiers: ClinVar variation 2443275 (VCV002443275.4), dbSNP rs1320406415, ClinGen allele CA366137291.
Genomic context (GRCh38, chr6:152,425,381, plus strand): 5'-ATATGCTCATCATTTAAAAACAAATGAACAATATTAGAAGATTTATCTTTTAGAACCAAC[C>T]TTTTGTTAATGATCTGTGGTAAATCTCTCCATCTCTCATCCAACTGCTCCAAATGTAGTT-3'
Protein context (NP_892006.3, residues 1746-1766): WRDLPQIINK[Arg1756Lys]INFLQSVVAE